The following is an entry in ClinVar:

NM_000245.4(MET):c.151C>T (p.Pro51Ser)

Gene: MET (MET proto-oncogene, receptor tyrosine kinase; plus strand). Cytogenetic location: 7q31.2.
Variant type: single nucleotide variant.
Coding change: c.151C>T on transcript NM_000245.4 (MANE Select); coding-DNA position 151, C replaced by T.
Protein change: p.Pro51Ser; replaces proline 51 with serine.
Molecular consequence: missense variant. On other transcripts: intron variant (1).
Genome position (GRCh38, 1-based): chr7:116,699,235, C>T. VCF-style: chr7-116699235-C-T. GRCh37 (hg19) VCF-style: chr7-116339289-C-T.
Other names: c.151C>T, p.Pro51Ser (NM_001127500.3, NM_001324401.3); c.-91+26658C>T (NM_001324402.2); short protein forms P51S.
Identifiers: ClinVar variation 945204 (VCV000945204.9), dbSNP rs758016814, ClinGen allele CA4447949.

ClinVar aggregate classification (germline): Uncertain significance (1 of 4 stars; one submission).

Conditions:
Renal cell carcinoma. Identifiers: Orphanet 217071, MedGen C0007134, MeSH D002292, MONDO:0005086, HP:0005584.

Allele frequency attached by ClinVar (database versions not stated): gnomAD exomes below 0.00001 and 0.00001; ExAC 0.00001.
gnomAD v4.1: 3 of 1,613,968 alleles (0.00019%); highest among the groups gnomAD compares: South Asian, 0.0033%; 1 homozygote.

Submission:

Labcorp Genetics (formerly Invitae), Labcorp
Classification: Uncertain significance for Renal cell carcinoma. Last evaluated: 2019-06-11. Review status: criteria provided, single submitter. Criteria: Invitae Variant Classification Sherloc (09022015). Collection method: clinical testing. Allele origin: germline.
Comment: Algorithms developed to predict the effect of missense changes on protein structure and function output the following: SIFT: "Deleterious"; PolyPhen-2: "Benign"; Align-GVGD: "Class C0". The serine amino acid residue is found in multiple mammalian species, suggesting that this missense change does not adversely affect protein function. These predictions have not been confirmed by published functional studies and their clinical significance is uncertain. In summary, the available evidence is currently insufficient to determine the role of this variant in disease. Therefore, it has been classified as a Variant of Uncertain Significance. This variant has not been reported in the literature in individuals with MET-related conditions. This variant is present in population databases (rs758016814, ExAC 0.006%). This sequence change replaces proline with serine at codon 51 of the MET protein (p.Pro51Ser). The proline residue is highly conserved and there is a moderate physicochemical difference between proline and serine.